The following is an entry in ClinVar:

ClinVar aggregate classification (germline): Uncertain significance (1 of 4 stars; one submission).

Conditions:
Hereditary cancer-predisposing syndrome. Also called: Hereditary neoplastic syndrome; Neoplastic Syndromes, Hereditary; Tumor predisposition; Hereditary Cancer Syndrome. Identifiers: Orphanet 140162, MedGen C0027672, MeSH D009386, MONDO:0015356.

Submission:

Ambry Genetics
Classification: Uncertain significance for Hereditary cancer-predisposing syndrome. Last evaluated: 2025-07-15. Review status: criteria provided, single submitter. Criteria: Ambry Variant Classification Scheme 2023. Collection method: clinical testing. Allele origin: germline.
Comment: The p.D227N variant (also known as c.679G>A), located in coding exon 6 of the PRKAR1A gene, results from a G to A substitution at nucleotide position 679. The aspartic acid at codon 227 is replaced by asparagine, an amino acid with highly similar properties. This amino acid position is highly conserved in available vertebrate species. In addition, this alteration is predicted to be tolerated by in silico analysis. Based on the available evidence, the clinical significance of this variant remains unclear.

NM_002734.5(PRKAR1A):c.679G>A (p.Asp227Asn)

Gene: PRKAR1A (protein kinase cAMP-dependent type I regulatory subunit alpha; plus strand). Cytogenetic location: 17q24.2.
Variant type: single nucleotide variant.
Coding change: c.679G>A on transcript NM_002734.5 (MANE Select); coding-DNA position 679, G replaced by A.
Protein change: p.Asp227Asn; replaces aspartic acid 227 with asparagine.
Molecular consequence: missense variant.
Genome position (GRCh38, 1-based): chr17:68,525,883, G>A. VCF-style: chr17-68525883-G-A. GRCh37 (hg19) VCF-style: chr17-66522024-G-A.
Other names: c.679G>A, p.Asp227Asn (NM_001276289.2, NM_001276290.1, NM_001278433.2 and 4 more transcripts); short protein forms D227N.
Identifiers: ClinVar variation 4144363 (VCV004144363.1).